The following is an entry in ClinVar:

NM_000051.4(ATM):c.5919-2_5919-1delinsGA

Genes: ATM (ATM serine/threonine kinase; plus strand), C11orf65 (chromosome 11 open reading frame 65; minus strand). Cytogenetic location: 11q22.3.
Variant type: Indel.
Coding change: c.5919-2_5919-1delinsGA on transcript NM_000051.4 (MANE Select); the canonical splice acceptor site of the intron before coding-DNA position 5919, AG replaced by GA.
Molecular consequence: splice acceptor variant. On other transcripts: intron variant (2).
Genome position (GRCh38, 1-based): chr11:108,312,409-108,312,410, AG replaced by GA. VCF-style: chr11-108312409-AG-GA. GRCh37 (hg19) VCF-style: chr11-108183136-AG-GA.
Other names: c.5919-2_5919-1delinsGA (NM_001351834.2); c.641-3339_641-3338delinsTC (NM_001330368.2); c.*39-3339_*39-3338delinsTC (NM_001351110.2).
Identifiers: ClinVar variation 4617407 (VCV004617407.1).

ClinVar aggregate classification (germline): Likely pathogenic (1 of 4 stars; one submission).

Conditions:
Hereditary cancer-predisposing syndrome. Also called: Hereditary Cancer Syndrome; Neoplastic Syndromes, Hereditary; Tumor predisposition; Hereditary neoplastic syndrome. Identifiers: Orphanet 140162, MedGen C0027672, MeSH D009386, MONDO:0015356.

Submission:

Ambry Genetics
Classification: Likely pathogenic for Hereditary cancer-predisposing syndrome. Last evaluated: 2025-10-06. Review status: criteria provided, single submitter. Criteria: Ambry Variant Classification Scheme 2023. Collection method: clinical testing. Allele origin: germline.
Comment: The c.5919-2_5919-1delAGinsGA intronic variant results from a deletion of two nucleotides and the insertion of two nucleotides at positions c.5919-2 to c.5919-1 and involves the canonical splice acceptor site before coding exon 38 of the ATM gene. This variant is considered to be rare based on population cohorts in the Genome Aggregation Database (gnomAD). This nucleotide region is well conserved in available vertebrate species. In silico splice site analysis predicts that this alteration will weaken the native splice acceptor site. Alterations that disrupt the canonical splice site are expected to cause aberrant splicing, resulting in an abnormal protein or a transcript that is subject to nonsense-mediated mRNA decay. As such, this alteration is classified as likely pathogenic.